The following is an entry in ClinVar:

NM_024757.5(EHMT1):c.2873_2878del (p.Phe958_Leu959del)

Gene: EHMT1 (euchromatic histone lysine methyltransferase 1; plus strand). Cytogenetic location: 9q34.3.
Variant type: Deletion.
Coding change: c.2873_2878del on transcript NM_024757.5 (MANE Select); coding-DNA positions 2873 to 2878, 6 bases deleted (TTCTTT; older notation c.2873_2878delTTCTTT).
Protein change: p.Phe958_Leu959del.
Molecular consequence: inframe deletion.
Genome position (GRCh38, 1-based): chr9:137,813,011-137,813,016, TTCTTT deleted; deleting any 6 consecutive bases within chr9:137,813,010-137,813,016 gives the same sequence; the c. name uses the placement nearest the transcript's 3' end. VCF-style (leftmost placement, unchanged base first): chr9-137813009-CTTTCTT-C. GRCh37 (hg19) VCF-style: chr9-140707461-CTTTCTT-C.
Other names: c.2852_2857del, p.Phe951_Leu952del (NM_001354263.2).
Identifiers: ClinVar variation 3236896 (VCV003236896.1).

ClinVar aggregate classification (germline): Pathogenic (1 of 4 stars; one submission).

Conditions:
Kleefstra syndrome 1 (KLEFS1). Identifiers: Orphanet 261494, MedGen C0795833, MONDO:0027407, OMIM 610253.

Submission:

Laboratory of Genetics, Children's Clinical University Hospital Latvia
Classification: Pathogenic for Kleefstra syndrome 1. Review status: criteria provided, single submitter. Criteria: ACMG Guidelines, 2015. Collection method: curation. Allele origin: inherited. Affected: yes.

Literature cited by the submitters: PubMed 39013458.